The following is an entry in ClinVar:

NM_001481.3(DRC4):c.1039C>T (p.Arg347Trp)

Gene: DRC4 (dynein regulatory complex subunit 4; plus strand). Cytogenetic location: 16q24.3.
Variant type: single nucleotide variant.
Coding change: c.1039C>T on transcript NM_001481.3 (MANE Select); coding-DNA position 1039, C replaced by T.
Protein change: p.Arg347Trp; replaces arginine 347 with tryptophan.
Molecular consequence: missense variant. On other transcripts: non-coding transcript variant (1).
Genome position (GRCh38, 1-based): chr16:90,040,327, C>T. VCF-style: chr16-90040327-C-T. GRCh37 (hg19) VCF-style: chr16-90106735-C-T.
Other names: c.790C>T, p.Arg264Trp (NM_001286205.2); c.463C>T, p.Arg155Trp (NM_001286208.2); c.964C>T, p.Arg322Trp (NM_001286209.2); short protein forms R264W, R322W, R155W, R347W.
Identifiers: ClinVar variation 649697 (VCV000649697.7), dbSNP rs138104460, ClinGen allele CA8258086.

ClinVar aggregate classification (germline): Uncertain significance. Review status: criteria provided, multiple submitters, no conflicts (2 of 4 stars). 2 submissions from 2 submitters: Uncertain significance (2). Last evaluated 2023-03-16.

Conditions:
Primary ciliary dyskinesia 33. Also called: CILIARY DYSKINESIA, PRIMARY, 33, WITHOUT SITUS INVERSUS. Identifiers: Orphanet 244, MedGen C4225230, MONDO:0014750, OMIM 616726.

Allele frequency attached by ClinVar (database versions not stated): gnomAD exomes 0.00014; gnomAD 0.00017 and 0.00019; TOPMed 0.00018; ESP Exome Variant Server 0.00023; ExAC 0.00028.
gnomAD v4.1: 356 of 1,597,230 alleles (0.022%); highest among the groups gnomAD compares: Non-Finnish European, 0.027%; no homozygotes.

Submissions (2):

Blueprint Genetics
Classification: Uncertain significance. Last evaluated: 2023-03-16. Review status: criteria provided, single submitter. Criteria: ACMG Guidelines, 2015. Collection method: clinical testing. Allele origin: germline.

Labcorp Genetics (formerly Invitae), Labcorp
Classification: Uncertain significance for Primary ciliary dyskinesia 33. Last evaluated: 2022-08-21. Review status: criteria provided, single submitter. Criteria: Invitae Variant Classification Sherloc (09022015). Collection method: clinical testing. Allele origin: germline.
Comment: This sequence change replaces arginine, which is basic and polar, with tryptophan, which is neutral and slightly polar, at codon 347 of the GAS8 protein (p.Arg347Trp). This variant is present in population databases (rs138104460, gnomAD 0.04%). This variant has not been reported in the literature in individuals affected with GAS8-related conditions. ClinVar contains an entry for this variant (Variation ID: 649697). Algorithms developed to predict the effect of missense changes on protein structure and function are either unavailable or do not agree on the potential impact of this missense change (SIFT: "Deleterious"; PolyPhen-2: "Possibly Damaging"; Align-GVGD: "Class C0"). In summary, the available evidence is currently insufficient to determine the role of this variant in disease. Therefore, it has been classified as a Variant of Uncertain Significance.